The following is an entry in ClinVar:

ClinVar aggregate classification (germline): Uncertain significance (1 of 4 stars; one submission).

Conditions:
Perlman syndrome (PRLMNS). Identifiers: Orphanet 2849, MedGen C0796113, MONDO:0009965, OMIM 267000.

Submission:

Labcorp Genetics (formerly Invitae), Labcorp
Classification: Uncertain significance for Perlman syndrome. Last evaluated: 2022-06-15. Review status: criteria provided, single submitter. Criteria: Invitae Variant Classification Sherloc (09022015). Collection method: clinical testing. Allele origin: germline.
Comment: In summary, the available evidence is currently insufficient to determine the role of this variant in disease. Therefore, it has been classified as a Variant of Uncertain Significance. Algorithms developed to predict the effect of missense changes on protein structure and function (SIFT, PolyPhen-2, Align-GVGD) all suggest that this variant is likely to be disruptive. This variant has not been reported in the literature in individuals affected with DIS3L2-related conditions. This variant is not present in population databases (gnomAD no frequency). This sequence change replaces serine, which is neutral and polar, with arginine, which is basic and polar, at codon 643 of the DIS3L2 protein (p.Ser643Arg).

NM_152383.5(DIS3L2):c.1929C>G (p.Ser643Arg)

Gene: DIS3L2 (DIS3 like 3'-5' exoribonuclease 2; plus strand). Cytogenetic location: 2q37.1.
Variant type: single nucleotide variant.
Coding change: c.1929C>G on transcript NM_152383.5 (MANE Select); coding-DNA position 1929, C replaced by G.
Protein change: p.Ser643Arg; replaces serine 643 with arginine.
Molecular consequence: missense variant. On other transcripts: non-coding transcript variant (2), intron variant (1).
Genome position (GRCh38, 1-based): chr2:232,330,695, C>G. VCF-style: chr2-232330695-C-G. GRCh37 (hg19) VCF-style: chr2-233195405-C-G.
Other names: c.1582-12650C>G (NM_001257281.2); short protein forms S643R.
Identifiers: ClinVar variation 2007239 (VCV002007239.4), dbSNP rs1695709352, ClinGen allele CA350976473.